The following is an entry in ClinVar:

ClinVar aggregate classification (germline): Likely benign. Review status: criteria provided, multiple submitters, no conflicts (2 of 4 stars). 4 submissions from 4 submitters: Likely benign (4). Last evaluated 2024-02-16.

Conditions:
Familial thoracic aortic aneurysm and aortic dissection (TAAD). Also called: Thoracic aortic aneurysms and dissections. Identifiers: Orphanet 91387, MedGen C4707243, MONDO:0019625.
Marfan syndrome (MFS). Also called: Marfan syndrome type 1; Marfan's syndrome; Marfan syndrome, classic; MARFAN SYNDROME, TYPE I; FBN1-Related Marfan Syndrome. Identifiers: Orphanet 284963, Orphanet 558, MedGen C0024796, MONDO:0007947, OMIM 154700.

Allele frequency attached by ClinVar (database versions not stated): gnomAD exomes 0.00001; TOPMed below 0.00001; gnomAD 0.00001; ExAC 0.00002.
gnomAD v4.1: 2 of 1,614,062 alleles (0.00012%); highest among the groups gnomAD compares: African/African-American, 0.0027%; no homozygotes.

Submissions (4):

Labcorp Genetics (formerly Invitae), Labcorp
Classification: Likely benign for Marfan syndrome; Familial thoracic aortic aneurysm and aortic dissection. Last evaluated: 2024-02-16. Review status: criteria provided, single submitter. Criteria: Invitae Variant Classification Sherloc (09022015). Collection method: clinical testing. Allele origin: germline.

All of Us Research Program, National Institutes of Health
Classification: Likely benign for Marfan syndrome. Last evaluated: 2023-11-28. Review status: criteria provided, single submitter. Criteria: ACMG Guidelines, 2015. Collection method: clinical testing. Allele origin: germline. Inheritance: Autosomal dominant inheritance. Observed: 2 variant alleles, 2 heterozygotes.
Comment: This study involves interpretation of variants in research participants for the purpose of population health screening. Participant phenotype was not available at the time of variant classification. Additional details can be found in publication PMID: 35346344, PMCID: PMC8962531

Ambry Genetics
Classification: Likely benign for Familial thoracic aortic aneurysm and aortic dissection. Last evaluated: 2022-11-15. Review status: criteria provided, single submitter. Criteria: Ambry Variant Classification Scheme 2023. Collection method: clinical testing. Allele origin: germline.

Color Diagnostics, LLC DBA Color Health
Classification: Likely benign for Familial thoracic aortic aneurysm and aortic dissection. Last evaluated: 2022-11-06. Review status: criteria provided, single submitter. Criteria: ACMG Guidelines, 2015. Collection method: clinical testing. Allele origin: germline.

NM_000138.5(FBN1):c.3654C>T (p.Ser1218=)

Gene: FBN1 (fibrillin 1; minus strand). Cytogenetic location: 15q21.1.
Variant type: single nucleotide variant.
Coding change: c.3654C>T on transcript NM_000138.5 (MANE Select); coding-DNA position 3654, C replaced by T.
Protein change: p.Ser1218=; no amino-acid change (serine 1218 retained).
Molecular consequence: synonymous variant.
Genome position (GRCh38, 1-based): chr15:48,485,432, G>A on the plus strand (C>T on the coding strand, the complement: FBN1 is on the minus strand). VCF-style: chr15-48485432-G-A. GRCh37 (hg19) VCF-style: chr15-48777629-G-A.
Other names: c.3654C>T (NM_000138.4).
Identifiers: ClinVar variation 1110971 (VCV001110971.13), dbSNP rs760712674, ClinGen allele CA051324.
Genomic context (GRCh38, chr15:48,485,432, plus strand): 5'-ACCGGTGCATGATCTCTGGTCAGGCATTAGTGCAAATCCCGGCTGACAGCTACATTCATA[G>A]CTGCCTTCAGAGTTTGTGCAGAAGGTTTCACAACCACCATTCATTATGCTGCATTCATCA-3'
Protein context (NP_000129.3, residues 1208-1228): CETFCTNSEG[Ser1218=]YECSCQPGFA